The following is an entry in ClinVar:

NM_001271.4(CHD2):c.3377A>G (p.Asp1126Gly)

Gene: CHD2 (chromodomain helicase DNA binding protein 2; plus strand). Cytogenetic location: 15q26.1.
Variant type: single nucleotide variant.
Coding change: c.3377A>G on transcript NM_001271.4 (MANE Select); coding-DNA position 3377, A replaced by G.
Protein change: p.Asp1126Gly; replaces aspartic acid 1126 with glycine.
Molecular consequence: missense variant.
Genome position (GRCh38, 1-based): chr15:92,985,637, A>G. VCF-style: chr15-92985637-A-G. GRCh37 (hg19) VCF-style: chr15-93528867-A-G.
Other names: short protein forms D1126G.
Identifiers: ClinVar variation 1507101 (VCV001507101.6), dbSNP rs1343182559, ClinGen allele CA393895787.

ClinVar aggregate classification (germline): Uncertain significance (1 of 4 stars; one submission).

Conditions:
Developmental and epileptic encephalopathy 94 (DEE94). Also called: Epileptic encephalopathy, childhood-onset; CHD2-Related Neurodevelopmental Disorders. Identifiers: Orphanet 1942, Orphanet 2382, MedGen C3809278, MONDO:0014150, OMIM 615369.

Allele frequency attached by ClinVar (database versions not stated): TOPMed below 0.00001; gnomAD 0.00001.
gnomAD v4.1: 4 of 1,613,114 alleles (0.00025%); highest among the groups gnomAD compares: African/African-American, 0.0053%; no homozygotes.

Submission:

Labcorp Genetics (formerly Invitae), Labcorp
Classification: Uncertain significance for Developmental and epileptic encephalopathy 94. Last evaluated: 2023-12-06. Review status: criteria provided, single submitter. Criteria: Invitae Variant Classification Sherloc (09022015). Collection method: clinical testing. Allele origin: germline.
Comment: This sequence change replaces aspartic acid, which is acidic and polar, with glycine, which is neutral and non-polar, at codon 1126 of the CHD2 protein (p.Asp1126Gly). This variant is not present in population databases (gnomAD no frequency). This variant has not been reported in the literature in individuals affected with CHD2-related conditions. ClinVar contains an entry for this variant (Variation ID: 1507101). Advanced modeling of protein sequence and biophysical properties (such as structural, functional, and spatial information, amino acid conservation, physicochemical variation, residue mobility, and thermodynamic stability) performed at Invitae indicates that this missense variant is not expected to disrupt CHD2 protein function with a negative predictive value of 95%. In summary, the available evidence is currently insufficient to determine the role of this variant in disease. Therefore, it has been classified as a Variant of Uncertain Significance.